The following is an entry in ClinVar:

NM_005502.4(ABCA1):c.1615A>C (p.Thr539Pro)

Gene: ABCA1 (ATP binding cassette subfamily A member 1; minus strand). Cytogenetic location: 9q31.1.
Variant type: single nucleotide variant.
Coding change: c.1615A>C on transcript NM_005502.4 (MANE Select); coding-DNA position 1615, A replaced by C.
Protein change: p.Thr539Pro; replaces threonine 539 with proline.
Molecular consequence: missense variant.
Genome position (GRCh38, 1-based): chr9:104,831,722, T>G on the plus strand (A>C on the coding strand, the complement: ABCA1 is on the minus strand). VCF-style: chr9-104831722-T-G. GRCh37 (hg19) VCF-style: chr9-107594003-T-G.
Other names: c.1615A>C (NM_005502.3); short protein forms T539P.
Identifiers: ClinVar variation 1717507 (VCV001717507.6), dbSNP rs888236394, ClinGen allele CA197397027.

ClinVar aggregate classification (germline): Uncertain significance. Review status: criteria provided, multiple submitters, no conflicts (2 of 4 stars). 2 submissions from 2 submitters: Uncertain significance (2). Last evaluated 2026-07-09.

Conditions:
Cardiovascular phenotype. Identifiers: MedGen CN230736.

Allele frequency attached by ClinVar (database versions not stated): gnomAD exomes below 0.00001; gnomAD 0.00001.
gnomAD v4.1: 2 of 1,614,102 alleles (0.00012%); highest among the groups gnomAD compares: Admixed American, 0.0033%; no homozygotes.

Submissions (2):

Ambry Genetics
Classification: Uncertain significance for Cardiovascular phenotype. Last evaluated: 2026-07-09. Review status: criteria provided, single submitter. Criteria: Ambry Variant Classification Scheme 2023. Collection method: clinical testing. Allele origin: germline.
Comment: The p.T539P variant (also known as c.1615A>C), located in coding exon 12 of the ABCA1 gene, results from an A to C substitution at nucleotide position 1615. The threonine at codon 539 is replaced by proline, an amino acid with highly similar properties. This amino acid position is conserved. In addition, this alteration is predicted to be tolerated by in silico analysis. Based on the available evidence, the clinical significance of this variant remains unclear.

Labcorp Genetics (formerly Invitae), Labcorp
Classification: Uncertain significance. Last evaluated: 2022-07-17. Review status: criteria provided, single submitter. Criteria: Invitae Variant Classification Sherloc (09022015). Collection method: clinical testing. Allele origin: germline.
Comment: This sequence change replaces threonine, which is neutral and polar, with proline, which is neutral and non-polar, at codon 539 of the ABCA1 protein (p.Thr539Pro). This variant is not present in population databases (gnomAD no frequency). This variant has not been reported in the literature in individuals affected with ABCA1-related conditions. Advanced modeling of protein sequence and biophysical properties (such as structural, functional, and spatial information, amino acid conservation, physicochemical variation, residue mobility, and thermodynamic stability) performed at Invitae indicates that this missense variant is not expected to disrupt ABCA1 protein function. In summary, the available evidence is currently insufficient to determine the role of this variant in disease. Therefore, it has been classified as a Variant of Uncertain Significance.